The following is an entry in ClinVar:

NM_001267550.2(TTN):c.63793+1G>A

Genes: TTN (titin; minus strand), TTN-AS1 (TTN antisense RNA 1; plus strand). Cytogenetic location: 2q31.2.
Variant type: single nucleotide variant.
Coding change: c.63793+1G>A on transcript NM_001267550.2 (MANE Select); the canonical splice donor site of the intron after coding-DNA position 63793, G replaced by A.
Molecular consequence: splice donor variant.
Genome position (GRCh38, 1-based): chr2:178,587,515, C>T on the plus strand (G>A on the coding strand, the complement: TTN is on the minus strand). VCF-style: chr2-178587515-C-T. GRCh37 (hg19) VCF-style: chr2-179452242-C-T.
Other names: c.36598+1G>A (NM_003319.4); c.37174+1G>A (NM_133437.4); c.36973+1G>A (NM_133432.3); c.56089+1G>A (NM_133378.4); c.58870+1G>A (NM_001256850.1).
Identifiers: ClinVar variation 1174729 (VCV001174729.9), dbSNP rs2154182296, ClinGen allele CA349449118.

ClinVar aggregate classification (germline): Conflicting classifications of pathogenicity. Review status: criteria provided, conflicting classifications (1 of 4 stars). 4 submissions from 4 submitters: Likely pathogenic (1); Uncertain significance (1). 2 of the submissions do not count toward it. Last evaluated 2025-11-06.

Conditions:
Cardiovascular phenotype. Identifiers: MedGen CN230736.
Dilated cardiomyopathy 1G (CMD1G). Identifiers: Orphanet 154, MedGen C1858763, MONDO:0011400, OMIM 604145.
Autosomal recessive limb-girdle muscular dystrophy type 2J (LGMDR10). Also called: Limb-girdle muscular dystrophy, type 2J; MUSCULAR DYSTROPHY, LIMB-GIRDLE, AUTOSOMAL RECESSIVE 10. Identifiers: Orphanet 140922, MedGen C1837342, MONDO:0012127, OMIM 608807.

Submissions (4):

Ambry Genetics
Classification: Uncertain significance for Cardiovascular phenotype. Last evaluated: 2025-11-06. Review status: criteria provided, single submitter. Criteria: Ambry Variant Classification Scheme 2023. Collection method: clinical testing. Allele origin: germline.
Comment: The c.36598+1G>A intronic variant results from a G to A substitution one nucleotide after coding exon 133 of the TTN gene. This exon is located in the A-band region of the N2-B isoform of the titin protein and is constitutively expressed in TTN transcripts (percent spliced in or PSI 100%). This variant was reported in individual(s) with features consistent with dilated cardiomyopathy (DCM) (Jansweijer JA et al. Eur J Heart Fail, 2017 Apr;19:512-521). This nucleotide position is highly conserved in available vertebrate species. In silico splice site analysis predicts that this alteration will weaken the native splice donor site. This variant disrupts the canonical splice site and is expected to cause aberrant splicing. However, although direct evidence is unavailable, this alteration is predicted to result in an in-frame transcript that is not expected to trigger nonsense-mediated mRNA decay. The exact functional effect of the predicted splice impact is unknown. Based on the available evidence, the clinical significance of this variant remains unclear.

Labcorp Genetics (formerly Invitae), Labcorp
Classification: Likely pathogenic for Dilated cardiomyopathy 1G; Autosomal recessive limb-girdle muscular dystrophy type 2J. Last evaluated: 2025-10-20. Review status: criteria provided, single submitter. Criteria: Invitae Variant Classification Sherloc (09022015). Collection method: clinical testing. Allele origin: germline.
Comment: This sequence change affects a donor splice site in intron 306 of the TTN gene. It is expected to disrupt RNA splicing and likely results in a truncated or disrupted TTN protein. This variant is not present in population databases (gnomAD no frequency). Disruption of this splice site has been observed in individual(s) with dilated cardiomyopathy (PMID: 27813223). ClinVar contains an entry for this variant (Variation ID: 1174729). Algorithms developed to predict the effect of sequence changes on RNA splicing suggest that this variant may disrupt the consensus splice site. This variant is located in the A band of TTN (PMID: 25589632). Truncating variants in this region are significantly overrepresented in patients affected with dilated cardiomyopathy (PMID: 25589632). Truncating variants in this region have also been reported in individuals affected with autosomal recessive centronuclear myopathy (PMID: 23975875). In summary, the currently available evidence indicates that the variant is pathogenic, but additional data are needed to prove that conclusively. Therefore, this variant has been classified as Likely Pathogenic.

Diagnostic Laboratory, Department of Genetics, University Medical Center Groningen
Classification: Likely pathogenic. Review status: no assertion criteria provided. Collection method: clinical testing. Allele origin: germline. Affected: yes. Study: VKGL Data-share Consensus. Not counted in ClinVar's aggregate classification.

Joint Genome Diagnostic Labs from Nijmegen and Maastricht, Radboudumc and MUMC+
Classification: Pathogenic. Review status: no assertion criteria provided. Collection method: clinical testing. Allele origin: germline. Affected: yes. Study: VKGL Data-share Consensus. Not counted in ClinVar's aggregate classification.

Literature cited by the submitters: PubMed 27813223 (cited by Ambry Genetics and Labcorp Genetics (formerly Invitae), Labcorp); PubMed 25589632 (cited by Labcorp Genetics (formerly Invitae), Labcorp); PubMed 23975875 (cited by Labcorp Genetics (formerly Invitae), Labcorp).